The following is an entry in ClinVar:

ClinVar aggregate classification (germline): Benign (1 of 4 stars; one submission).

Submission:

Unidad de Genómica Garrahan, Hospital de Pediatría Garrahan
Classification: Benign. Last evaluated: 2024-01-24. Review status: criteria provided, single submitter. Criteria: ACMG Guidelines, 2015. Collection method: clinical testing. Allele origin: germline. Affected: no. Observed: 88 variant alleles.
Comment: This variant is classified as Benign based on local population frequency. This variant was detected in 100% of patients studied by a panel of primary immunodeficiencies. Number of patients: 88. Only high quality variants are reported.

NM_138348.6(OTULIN):c.152+95dup

Gene: OTULIN (OTU deubiquitinase with linear linkage specificity; plus strand). Cytogenetic location: 5p15.2.
Variant type: Duplication.
Coding change: c.152+95dup on transcript NM_138348.6 (MANE Select); 95 bases into the intron after coding-DNA position 152, one base duplicated (C; older notation c.152+95dupC).
Molecular consequence: intron variant.
Genome position (GRCh38, 1-based): chr5:14,665,072, C duplicated; the last of 2 consecutive C bases (chr5:14,665,071-14,665,072); duplicating either gives the same sequence. VCF-style (leftmost placement, unchanged base first): chr5-14665070-T-TC. GRCh37 (hg19) VCF-style: chr5-14665179-T-TC.
Identifiers: ClinVar variation 2688526 (VCV002688526.2), dbSNP rs113435226, ClinGen allele CA114003934.